The following is an entry in ClinVar:

NM_000222.3(KIT):c.1120G>T (p.Val374Leu)

Gene: KIT (KIT proto-oncogene, receptor tyrosine kinase; plus strand). Cytogenetic location: 4q12.
Variant type: single nucleotide variant.
Coding change: c.1120G>T on transcript NM_000222.3 (MANE Select); coding-DNA position 1120, G replaced by T.
Protein change: p.Val374Leu; replaces valine 374 with leucine.
Molecular consequence: missense variant.
Genome position (GRCh38, 1-based): chr4:54,709,428, G>T. VCF-style: chr4-54709428-G-T. GRCh37 (hg19) VCF-style: chr4-55575594-G-T.
Other names: c.1120G>T, p.Val374Leu (NM_001093772.2, NM_001385285.1, NM_001385286.1); c.1123G>T, p.Val375Leu (NM_001385284.1, NM_001385288.1, NM_001385290.1 and 1 more transcripts); short protein forms V374L, V375L.
Identifiers: ClinVar variation 1509545 (VCV001509545.8), dbSNP rs73137716, ClinGen allele CA2923393.

ClinVar aggregate classification (germline): Uncertain significance (1 of 4 stars; one submission).

Conditions:
Gastrointestinal stromal tumor. Also called: Gastrointestinal stromal tumor, somatic; Gastrointestinal stroma tumor. Identifiers: Orphanet 44890, MedGen C0238198, MeSH D046152, MONDO:0011719, OMIM 606764, HP:0100723.

gnomAD v4.1: 1 of 1,602,326 alleles (0.000062%); highest among the groups gnomAD compares: Admixed American, 0.0017%; no homozygotes.

Submission:

Labcorp Genetics (formerly Invitae), Labcorp
Classification: Uncertain significance for Gastrointestinal stromal tumor. Last evaluated: 2024-07-06. Review status: criteria provided, single submitter. Criteria: Invitae Variant Classification Sherloc (09022015). Collection method: clinical testing. Allele origin: germline.
Comment: This sequence change replaces valine, which is neutral and non-polar, with leucine, which is neutral and non-polar, at codon 374 of the KIT protein (p.Val374Leu). This variant is present in population databases (rs73137716, gnomAD 0.003%). This variant has not been reported in the literature in individuals affected with KIT-related conditions. ClinVar contains an entry for this variant (Variation ID: 1509545). An algorithm developed to predict the effect of missense changes on protein structure and function (PolyPhen-2) suggests that this variant is likely to be tolerated. In summary, the available evidence is currently insufficient to determine the role of this variant in disease. Therefore, it has been classified as a Variant of Uncertain Significance.